The following is an entry in ClinVar:

NM_000051.4(ATM):c.4235C>A (p.Pro1412His)

Gene: ATM (ATM serine/threonine kinase; plus strand). Cytogenetic location: 11q22.3.
Variant type: single nucleotide variant.
Coding change: c.4235C>A on transcript NM_000051.4 (MANE Select); coding-DNA position 4235, C replaced by A.
Protein change: p.Pro1412His; replaces proline 1412 with histidine.
Molecular consequence: missense variant.
Genome position (GRCh38, 1-based): chr11:108,289,102, C>A. VCF-style: chr11-108289102-C-A. GRCh37 (hg19) VCF-style: chr11-108159829-C-A.
Other names: c.4235C>A, p.Pro1412His (NM_001351834.2); short protein forms P1412H.
Identifiers: ClinVar variation 1738934 (VCV001738934.2), dbSNP rs776581499, ClinGen allele CA382530741.

ClinVar aggregate classification (germline): Uncertain significance (1 of 4 stars; one submission).

Conditions:
Hereditary cancer-predisposing syndrome. Also called: Hereditary Cancer Syndrome; Hereditary neoplastic syndrome; Neoplastic Syndromes, Hereditary; Tumor predisposition. Identifiers: Orphanet 140162, MedGen C0027672, MeSH D009386, MONDO:0015356.

Submission:

Ambry Genetics
Classification: Uncertain significance for Hereditary cancer-predisposing syndrome. Last evaluated: 2022-05-21. Review status: criteria provided, single submitter. Criteria: Ambry Variant Classification Scheme 2023. Collection method: clinical testing. Allele origin: germline.
Comment: The p.P1412H variant (also known as c.4235C>A), located in coding exon 27 of the ATM gene, results from a C to A substitution at nucleotide position 4235. The proline at codon 1412 is replaced by histidine, an amino acid with similar properties. This amino acid position is conserved. In addition, the in silico prediction for this alteration is inconclusive. Since supporting evidence is limited at this time, the clinical significance of this alteration remains unclear.